The following is an entry in ClinVar:

NM_001267550.2(TTN):c.84437T>C (p.Val28146Ala)

Genes: TTN (titin; minus strand), TTN-AS1 (TTN antisense RNA 1; plus strand). Cytogenetic location: 2q31.2.
Variant type: single nucleotide variant.
Coding change: c.84437T>C on transcript NM_001267550.2 (MANE Select); coding-DNA position 84437, T replaced by C.
Protein change: p.Val28146Ala; replaces valine 28146 with alanine.
Molecular consequence: missense variant.
Genome position (GRCh38, 1-based): chr2:178,561,695, A>G on the plus strand (T>C on the coding strand, the complement: TTN is on the minus strand). VCF-style: chr2-178561695-A-G. GRCh37 (hg19) VCF-style: chr2-179426422-A-G.
Other names: c.76733T>C, p.Val25578Ala (NM_133378.4); c.57617T>C, p.Val19206Ala (NM_133432.3); c.57818T>C, p.Val19273Ala (NM_133437.4); c.79514T>C, p.Val26505Ala (NM_001256850.1); c.57242T>C, p.Val19081Ala (NM_003319.4); short protein forms V19081A, V19206A, V19273A, V25578A, V26505A, V28146A.
Identifiers: ClinVar variation 2438345 (VCV002438345.5), dbSNP rs755354570, ClinGen allele CA1988776.

ClinVar aggregate classification (germline): Conflicting classifications of pathogenicity. Review status: criteria provided, conflicting classifications (1 of 4 stars). 3 submissions from 3 submitters: Uncertain significance (2); Likely benign (1). Last evaluated 2025-11-18.

Conditions:
TTN-related disorder. Also called: TTN-related condition; TTN-related disease; TTN-related disorders.

Allele frequency attached by ClinVar (database versions not stated): ExAC 0.00001; TOPMed 0.00001; gnomAD 0.00003; gnomAD exomes 0.00003; 1000 Genomes Project 30x 0.00016.
gnomAD v4.1: 53 of 1,607,856 alleles (0.0033%); highest among the groups gnomAD compares: Non-Finnish European, 0.0043%; no homozygotes.

Submissions (3):

PreventionGenetics, part of Exact Sciences
Classification: Uncertain significance for TTN-related condition. Last evaluated: 2025-11-18. Review status: criteria provided, single submitter. Criteria: ACMG Guidelines, 2015. Collection method: clinical testing. Allele origin: germline.
Comment: The TTN c.84437T>C variant is predicted to result in the amino acid substitution p.Val28146Ala. To our knowledge, this variant has not been reported in the literature. This variant is reported in 0.0024% of alleles in individuals of European (Non-Finnish) descent in gnomAD. At this time, the clinical significance of this variant is uncertain due to the absence of conclusive functional and genetic evidence.

Blueprint Genetics
Classification: Likely benign. Last evaluated: 2022-05-06. Review status: criteria provided, single submitter. Criteria: ACMG Guidelines, 2015. Collection method: clinical testing. Allele origin: germline.

Revvity Omics, Revvity
Classification: Uncertain significance. Last evaluated: 2021-10-13. Review status: criteria provided, single submitter. Criteria: ACMG Guidelines, 2015. Collection method: clinical testing. Allele origin: germline.